The following is an entry in ClinVar:

NM_004586.3(RPS6KA3):c.1973A>G (p.Lys658Arg)

Gene: RPS6KA3 (ribosomal protein S6 kinase A3; minus strand). Cytogenetic location: Xp22.12.
Variant type: single nucleotide variant.
Coding change: c.1973A>G on transcript NM_004586.3 (MANE Select); coding-DNA position 1973, A replaced by G.
Protein change: p.Lys658Arg; replaces lysine 658 with arginine.
Molecular consequence: missense variant.
Genome position (GRCh38, 1-based): chrX:20,156,236, T>C on the plus strand (A>G on the coding strand, the complement: RPS6KA3 is on the minus strand). VCF-style: chrX-20156236-T-C. GRCh37 (hg19) VCF-style: chrX-20174354-T-C.
Other names: short protein forms K658R.
Identifiers: ClinVar variation 3749409 (VCV003749409.2).
Genomic context (GRCh38, chrX:20,156,236, plus strand): 5'-CAAGGATGTCTGAGCACAAGAGCAGCAGTCAGTCTCTGATGAGGGTCTACATGAAGCATC[T>C]TTGACACCAGGTCCTGTAATGGGAATAATAAAACAAGCTTAAACCTTTTGTTTTGCTTCT-3'
Protein context (NP_004577.1, residues 648-668): VSDTAKDLVS[Lys658Arg]MLHVDPHQRL

ClinVar aggregate classification (germline): Uncertain significance (1 of 4 stars; one submission).

Conditions:
Coffin-Lowry syndrome (CLS). Also called: Mental retardation with osteocartilaginous abnormalities; COFFIN-LOWRY SYNDROME, MILD. Identifiers: Orphanet 192, MedGen C0265252, MONDO:0010561, OMIM 303600.
Intellectual developmental disorder, X-linked 19. Also called: Intellectual disability, X-linked 19. Identifiers: Orphanet 777, MedGen C0796225, MONDO:0010447, OMIM 300844.

gnomAD v4.1: 1 of 1,208,724 alleles (0.000083%); highest among the groups gnomAD compares: African/African-American, 0.0018%; no homozygotes.

Submission:

Labcorp Genetics (formerly Invitae), Labcorp
Classification: Uncertain significance for Coffin-Lowry syndrome; Intellectual developmental disorder, X-linked 19. Last evaluated: 2025-06-17. Review status: criteria provided, single submitter. Criteria: Invitae Variant Classification Sherloc (09022015). Collection method: clinical testing. Allele origin: germline.
Comment: This sequence change replaces lysine, which is basic and polar, with arginine, which is basic and polar, at codon 658 of the RPS6KA3 protein (p.Lys658Arg). This variant is not present in population databases (gnomAD no frequency). This variant has not been reported in the literature in individuals affected with RPS6KA3-related conditions. ClinVar contains an entry for this variant (Variation ID: 3749409). Invitae Evidence Modeling of protein sequence and biophysical properties (such as structural, functional, and spatial information, amino acid conservation, physicochemical variation, residue mobility, and thermodynamic stability) indicates that this missense variant is not expected to disrupt RPS6KA3 protein function with a negative predictive value of 95%. In summary, the available evidence is currently insufficient to determine the role of this variant in disease. Therefore, it has been classified as a Variant of Uncertain Significance.